The following is an entry in ClinVar:

NM_007294.4(BRCA1):c.4165A>C (p.Ser1389Arg)

Gene: BRCA1 (BRCA1 DNA repair associated; minus strand). Cytogenetic location: 17q21.31.
Variant type: single nucleotide variant.
Coding change: c.4165A>C on transcript NM_007294.4 (MANE Select); coding-DNA position 4165, A replaced by C.
Protein change: p.Ser1389Arg; replaces serine 1389 with arginine.
Molecular consequence: missense variant. On other transcripts: non-coding transcript variant (1).
Genome position (GRCh38, 1-based): chr17:43,090,964, T>G on the plus strand (A>C on the coding strand, the complement: BRCA1 is on the minus strand). VCF-style: chr17-43090964-T-G. GRCh37 (hg19) VCF-style: chr17-41242981-T-G.
Other names: c.4039A>C, p.Ser1347Arg (NM_001407671.1, NM_001407672.1, NM_001407673.1 and 11 more transcripts); c.4042A>C, p.Ser1348Arg (NM_001407674.1, NM_001407675.1, NM_001407676.1 and 19 more transcripts); c.4024A>C, p.Ser1342Arg (NM_001407696.1, NM_001407697.1, NM_001407727.1 and 29 more transcripts); c.4165A>C, p.Ser1389Arg (NM_001407684.1, NM_007300.4, NM_001407581.1 and 30 more transcripts); c.856A>C, p.Ser286Arg (NM_001407973.1, NM_001407974.1, NM_001407975.1 and 18 more transcripts); c.853A>C, p.Ser285Arg (NM_001407984.1, NM_001407985.1, NM_001407986.1 and 13 more transcripts); c.850A>C, p.Ser284Arg (NM_001408406.1); c.847A>C, p.Ser283Arg (NM_001408408.1); and 41 more; short protein forms S1342R, S1389R, S286R, S118R, S1262R, S1278R, S1300R, S1362R.
Identifiers: ClinVar variation 945108 (VCV000945108.11), dbSNP rs2053435043, ClinGen allele CA10593394.
Genomic context (GRCh38, chr17:43,090,964, plus strand): 5'-ACCACACACACGCATGTGCACACACACACACGCTTTTTACCTGAGTGGTTAAAATGTCAC[T>G]CTGAGAGGATAGCCCTGAGCAGTCTTCAGAGACGCTTGTTTCACTCTCACACCCAGATGC-3'
Protein context (NP_009225.1, residues 1379-1399): SEDCSGLSSQ[Ser1389Arg]DILTTQQRDT

ClinVar aggregate classification (germline): Uncertain significance (1 of 4 stars; one submission).

Conditions:
Hereditary breast ovarian cancer syndrome. Also called: Hereditary breast and ovarian cancer syndrome (HBOC); Hereditary breast and ovarian cancer; Breast and ovarian cancer; BRCA1- and BRCA2-Associated Hereditary Breast and Ovarian Cancer; Hereditary breast and ovarian cancer syndrome; Hereditary breast and/or ovarian cancer syndrome. Identifiers: Orphanet 145, MedGen C0677776, MeSH D061325, MONDO:0003582. Disease mechanism: loss of function.

Submission:

Labcorp Genetics (formerly Invitae), Labcorp
Classification: Uncertain significance for Hereditary breast ovarian cancer syndrome. Last evaluated: 2019-07-05. Review status: criteria provided, single submitter. Criteria: Invitae Variant Classification Sherloc (09022015). Collection method: clinical testing. Allele origin: germline.
Comment: In summary, the available evidence is currently insufficient to determine the role of this variant in disease. Therefore, it has been classified as a Variant of Uncertain Significance. Algorithms developed to predict the effect of missense changes on protein structure and function are either unavailable or do not agree on the potential impact of this missense change (SIFT: "Deleterious"; PolyPhen-2: "Benign"; Align-GVGD: "Class C0"). This variant has not been reported in the literature in individuals with BRCA1-related conditions. This variant is not present in population databases (ExAC no frequency). This sequence change replaces serine with arginine at codon 1389 of the BRCA1 protein (p.Ser1389Arg). The serine residue is highly conserved and there is a moderate physicochemical difference between serine and arginine.